The following is an entry in ClinVar:

ClinVar aggregate classification (germline): Pathogenic (1 of 4 stars; one submission).

Allele frequency attached by ClinVar (database versions not stated): gnomAD exomes below 0.00001.
gnomAD v4.1: 3 of 1,614,120 alleles (0.00019%); highest among the groups gnomAD compares: Non-Finnish European, 0.00025%; no homozygotes.

Submission:

Labcorp Genetics (formerly Invitae), Labcorp
Classification: Pathogenic. Last evaluated: 2021-09-03. Review status: criteria provided, single submitter. Criteria: Invitae Variant Classification Sherloc (09022015). Collection method: clinical testing. Allele origin: germline.
Comment: Advanced modeling of protein sequence and biophysical properties (such as structural, functional, and spatial information, amino acid conservation, physicochemical variation, residue mobility, and thermodynamic stability) performed at Invitae indicates that this missense variant is expected to disrupt BEST1 protein function. Algorithms developed to predict the effect of sequence changes on RNA splicing suggest that this variant may create or strengthen a splice site. For these reasons, this variant has been classified as Pathogenic. This variant disrupts the p.Asp301 amino acid residue in BEST1. Other variant(s) that disrupt this residue have been determined to be pathogenic (PMID: 10331951, 18844018, 29115605). This suggests that this residue is clinically significant, and that variants that disrupt this residue are likely to be disease-causing. This missense change has been observed in individuals with autosomal dominant Best vitelliform macular dystrophy (PMID: 20057343, 25489231). This sequence change replaces aspartic acid with glycine at codon 301 of the BEST1 protein (p.Asp301Gly). The aspartic acid residue is highly conserved and there is a moderate physicochemical difference between aspartic acid and glycine. This variant is not present in population databases (ExAC no frequency).

Literature cited by the submitters: PubMed 10331951; PubMed 18844018; PubMed 29115605; PubMed 20057343; PubMed 25489231.

NM_004183.4(BEST1):c.902A>G (p.Asp301Gly)

Gene: BEST1 (bestrophin 1; plus strand). Cytogenetic location: 11q12.3.
Variant type: single nucleotide variant.
Coding change: c.902A>G on transcript NM_004183.4 (MANE Select); coding-DNA position 902, A replaced by G.
Protein change: p.Asp301Gly; replaces aspartic acid 301 with glycine.
Molecular consequence: missense variant. On other transcripts: non-coding transcript variant (1), intron variant (1).
Genome position (GRCh38, 1-based): chr11:61,959,532, A>G. VCF-style: chr11-61959532-A-G. GRCh37 (hg19) VCF-style: chr11-61727004-A-G.
Other names: c.722A>G, p.Asp241Gly (NM_001139443.3, NM_001300787.2); c.584A>G, p.Asp195Gly (NM_001363591.3); c.1105A>G, p.Met369Val (NM_001363592.2); c.-71A>G (NM_001363593.3); c.688-360A>G (NM_001300786.2); short protein forms D195G, D241G, D301G, M369V.
Identifiers: ClinVar variation 1457091 (VCV001457091.6), dbSNP rs2134453358, ClinGen allele CA380843864.